The following is an entry in ClinVar:

NM_000104.4(CYP1B1):c.1412T>A (p.Ile471Asn)

Genes: CYP1B1 (cytochrome P450 family 1 subfamily B member 1; minus strand), LOC128772254 (melanoma risk locus-associated MPRA allelic enhancer 2:38298139; plus strand). Cytogenetic location: 2p22.2.
Variant type: single nucleotide variant.
Coding change: c.1412T>A on transcript NM_000104.4 (MANE Select); coding-DNA position 1412, T replaced by A.
Protein change: p.Ile471Asn; replaces isoleucine 471 with asparagine.
Molecular consequence: missense variant.
Genome position (GRCh38, 1-based): chr2:38,070,942, A>T on the plus strand (T>A on the coding strand, the complement: CYP1B1 is on the minus strand). VCF-style: chr2-38070942-A-T. GRCh37 (hg19) VCF-style: chr2-38298085-A-T.
Other names: short protein forms I471N.
Identifiers: ClinVar variation 456640 (VCV000456640.8), dbSNP rs147535955, ClinGen allele CA346327219.
Genomic context (GRCh38, chr2:38,070,942, plus strand): 5'-CACTGGTGAGCCAGGATGGAGATGAAGAGAAAAAGCTGCATCTTAGAAAGTTCTTCGCCA[A>T]TGCACCGCCTTTTGCCCACTGAAAAAATCATCACTCTGCTGGTCAGGTCCTTGTTGATGA-3'
Protein context (NP_000095.2, residues 461-481): MIFSVGKRRC[Ile471Asn]GEELSKMQLF

ClinVar aggregate classification (germline): Conflicting classifications of pathogenicity. Review status: criteria provided, conflicting classifications (1 of 4 stars). 3 submissions from 3 submitters: Likely pathogenic (1); Uncertain significance (2). Last evaluated 2024-11-20.

Conditions:
Congenital glaucoma. Identifiers: MedGen C0020302, MONDO:0020366.

Submissions (3):

GeneDx
Classification: Likely pathogenic. Last evaluated: 2024-11-20. Review status: criteria provided, single submitter. Criteria: GeneDx Variant Classification Process June 2021. Collection method: clinical testing. Allele origin: germline.
Comment: Identified in a patient with congenital glaucoma in published literature, but additional evidence is not available (PMID: Simoes2020[abstract]); Not observed at significant frequency in large population cohorts (gnomAD); In silico analysis supports that this missense variant has a deleterious effect on protein structure/function; This variant is associated with the following publications: (PMID: 12424894, Simoes2020[abstract])

Women's Health and Genetics/Laboratory Corporation of America, LabCorp
Classification: Uncertain significance. Last evaluated: 2024-05-24. Review status: criteria provided, single submitter. Criteria: LabCorp Variant Classification Summary - May 2015. Collection method: clinical testing. Allele origin: germline.

Labcorp Genetics (formerly Invitae), Labcorp
Classification: Uncertain significance for Congenital glaucoma. Last evaluated: 2021-08-31. Review status: criteria provided, single submitter. Criteria: Invitae Variant Classification Sherloc (09022015). Collection method: clinical testing. Allele origin: germline.